The following is an entry in ClinVar:

ClinVar aggregate classification (germline): Uncertain significance (1 of 4 stars; one submission).

Conditions:
Joubert syndrome. Also called: CEREBELLOPARENCHYMAL DISORDER IV; JOUBERT-BOLTSHAUSER SYNDROME; Familial aplasia of the vermis. Identifiers: Orphanet 475, MedGen C5979921, MONDO:0018772.
Meckel-Gruber syndrome. Also called: DYSENCEPHALIA SPLANCHNOCYSTICA; GRUBER SYNDROME; Dysencephalia splachnocystica. Identifiers: Orphanet 564, MedGen C0265215, MONDO:0018921.

Submission:

Labcorp Genetics (formerly Invitae), Labcorp
Classification: Uncertain significance for Joubert syndrome; Meckel-Gruber syndrome. Last evaluated: 2025-06-12. Review status: criteria provided, single submitter. Criteria: Invitae Variant Classification Sherloc (09022015). Collection method: clinical testing. Allele origin: germline.
Comment: This sequence change falls in intron 24 of the RPGRIP1L gene. It does not directly change the encoded amino acid sequence of the RPGRIP1L protein. It affects a nucleotide within the consensus splice site. This variant is not present in population databases (gnomAD no frequency). This variant has not been reported in the literature in individuals affected with RPGRIP1L-related conditions. ClinVar contains an entry for this variant (Variation ID: 3754637). Variants that disrupt the consensus splice site are a relatively common cause of aberrant splicing (PMID: 17576681, 9536098). Algorithms developed to predict the effect of sequence changes on RNA splicing suggest that this variant is not likely to affect RNA splicing. In summary, the available evidence is currently insufficient to determine the role of this variant in disease. Therefore, it has been classified as a Variant of Uncertain Significance.

Literature cited by the submitters: PubMed 17576681; PubMed 9536098.

NM_015272.5(RPGRIP1L):c.3616+6T>C

Gene: RPGRIP1L (RPGRIP1 like; minus strand). Cytogenetic location: 16q12.2.
Variant type: single nucleotide variant.
Coding change: c.3616+6T>C on transcript NM_015272.5 (MANE Select); 6 bases into the intron after coding-DNA position 3616, T replaced by C.
Molecular consequence: intron variant.
Genome position (GRCh38, 1-based): chr16:53,619,019, A>G on the plus strand (T>C on the coding strand, the complement: RPGRIP1L is on the minus strand). VCF-style: chr16-53619019-A-G. GRCh37 (hg19) VCF-style: chr16-53652931-A-G.
Other names: c.3376+6T>C (NM_001127897.4); c.3514+6T>C (NM_001330538.2); c.3478+6T>C (NM_001308334.3).
Identifiers: ClinVar variation 3754637 (VCV003754637.2).
Genomic context (GRCh38, chr16:53,619,019, plus strand): 5'-TTCCACTTCTTTCATAAATAAAAAAGACAAACATAAAAGTCTATATTACAAATGAATCAT[A>G]CATACCATTGCTATAGTTATAGTAGACCCACTGCCCACTCTTGGGTTTTGGAAGTGACAC-3'